The following is an entry in ClinVar:

NM_001903.5(CTNNA1):c.2505A>G (p.Ala835=)

Gene: CTNNA1 (catenin alpha 1; plus strand). Cytogenetic location: 5q31.2.
Variant type: single nucleotide variant.
Coding change: c.2505A>G on transcript NM_001903.5 (MANE Select); coding-DNA position 2505, A replaced by G.
Protein change: p.Ala835=; no amino-acid change (alanine 835 retained).
Molecular consequence: synonymous variant. On other transcripts: 3 prime UTR variant (5).
Genome position (GRCh38, 1-based): chr5:138,933,873, A>G. VCF-style: chr5-138933873-A-G. GRCh37 (hg19) VCF-style: chr5-138269562-A-G.
Other names: c.1302A>G, p.Ala434= (NM_001324011.1); c.1152A>G, p.Ala384= (NM_001324012.1, NM_001324013.1); c.*50A>G (NM_001324005.1, NM_001290307.3, NM_001324002.1 and 2 more transcripts); c.1056A>G, p.Ala352= (NM_001324006.1, NM_001324007.1, NM_001324008.1 and 2 more transcripts); c.2196A>G, p.Ala732= (NM_001290309.3); c.2136A>G, p.Ala712= (NM_001290310.3); c.1395A>G, p.Ala465= (NM_001290312.1, NM_001323987.1, NM_001323988.1 and 12 more transcripts); c.2505A>G, p.Ala835= (NM_001323982.2, NM_001323983.1, NM_001323984.2); and 3 more.
Identifiers: ClinVar variation 1077218 (VCV001077218.12), dbSNP rs780046997, ClinGen allele CA3432255.

ClinVar aggregate classification (germline): Benign/Likely benign. Review status: criteria provided, multiple submitters, no conflicts (2 of 4 stars). 3 submissions from 3 submitters: Benign (1); Likely benign (2). Last evaluated 2026-02-04.

Conditions:
Hereditary cancer-predisposing syndrome. Also called: Neoplastic Syndromes, Hereditary; Hereditary neoplastic syndrome; Tumor predisposition; Hereditary Cancer Syndrome. Identifiers: Orphanet 140162, MedGen C0027672, MeSH D009386, MONDO:0015356.
Hereditary diffuse gastric adenocarcinoma (HDGC). Also called: DIFFUSE GASTRIC AND LOBULAR BREAST CANCER SYNDROME. Identifiers: Orphanet 26106, MedGen C1708349, MONDO:0007648, OMIM 137215.

Allele frequency attached by ClinVar (database versions not stated): gnomAD exomes below 0.00001; ExAC 0.00001.
gnomAD v4.1: 1 of 1,614,184 alleles (0.000062%); highest among the groups gnomAD compares: East Asian, 0.0022%; no homozygotes.

Submissions (3):

Labcorp Genetics (formerly Invitae), Labcorp
Classification: Likely benign. Last evaluated: 2026-02-04. Review status: criteria provided, single submitter. Criteria: Invitae Variant Classification Sherloc (09022015). Collection method: clinical testing. Allele origin: germline.

Myriad Genetics, Inc.
Classification: Benign for Hereditary diffuse gastric adenocarcinoma. Last evaluated: 2024-10-15. Review status: criteria provided, single submitter. Criteria: Myriad Autosomal Dominant, Autosomal Recessive and X-Linked Classification Criteria (2023). Collection method: clinical testing. Allele origin: unknown.
Comment: This variant is considered benign. This variant is a silent/synonymous amino acid change and it is not expected to impact splicing.

Ambry Genetics
Classification: Likely benign for Hereditary cancer-predisposing syndrome. Last evaluated: 2020-12-21. Review status: criteria provided, single submitter. Criteria: Ambry Variant Classification Scheme 2023. Collection method: clinical testing. Allele origin: germline.